The following is an entry in ClinVar:

NC_000018.9:g.(?_25532117)_(25756986_?)del

Gene: CDH2 (cadherin 2; minus strand). Cytogenetic location: 18q12.1.
Variant type: Deletion.
Identifiers: ClinVar variation 3242791 (VCV003242791.1).

ClinVar aggregate classification (germline): Uncertain significance (1 of 4 stars; one submission).

Submission:

Labcorp Genetics (formerly Invitae), Labcorp
Classification: Uncertain significance. Last evaluated: 2023-04-14. Review status: criteria provided, single submitter. Criteria: Invitae Variant Classification Sherloc (09022015). Collection method: clinical testing. Allele origin: unknown.
Comment: In summary, the available evidence is currently insufficient to determine the role of this variant in disease. Therefore, it has been classified as a Variant of Uncertain Significance. This variant has not been reported in the literature in individuals affected with CDH2-related conditions. A gross deletion of the genomic region encompassing the full coding sequence of the CDH2 gene has been identified. The current clinical and genetic evidence is not sufficient to establish whether loss-of-function variants in CDH2 cause disease. The boundaries of this event are unknown as they extend beyond the assayed region for this gene and therefore may encompass additional genes.